The following is an entry in ClinVar:

ClinVar aggregate classification (germline): Uncertain significance. Review status: criteria provided, multiple submitters, no conflicts (2 of 4 stars). 2 submissions from 2 submitters: Uncertain significance (2). Last evaluated 2025-12-16.

Conditions:
Familial thoracic aortic aneurysm and aortic dissection (TAAD). Also called: Thoracic aortic aneurysms and dissections. Identifiers: Orphanet 91387, MedGen C4707243, MONDO:0019625.
Rienhoff syndrome. Also called: LOEYS-DIETZ SYNDROME 5. Identifiers: MedGen C3810012, MONDO:0014262, OMIM 615582.

gnomAD v4.1: 1 of 1,614,098 alleles (0.000062%); highest among the groups gnomAD compares: Non-Finnish European, 0.000085%; no homozygotes.

Submissions (2):

Ambry Genetics
Classification: Uncertain significance for Familial thoracic aortic aneurysm and aortic dissection. Last evaluated: 2025-12-16. Review status: criteria provided, single submitter. Criteria: Ambry Variant Classification Scheme 2023. Collection method: clinical testing. Allele origin: germline.
Comment: The p.S160G variant (also known as c.478A>G), located in coding exon 2 of the TGFB3 gene, results from an A to G substitution at nucleotide position 478. The serine at codon 160 is replaced by glycine, an amino acid with similar properties. This amino acid position is conserved. In addition, this alteration is predicted to be tolerated by in silico analysis. Based on the available evidence, the clinical significance of this variant remains unclear.

Labcorp Genetics (formerly Invitae), Labcorp
Classification: Uncertain significance for Rienhoff syndrome. Last evaluated: 2025-02-20. Review status: criteria provided, single submitter. Criteria: Invitae Variant Classification Sherloc (09022015). Collection method: clinical testing. Allele origin: germline.
Comment: This sequence change replaces serine, which is neutral and polar, with glycine, which is neutral and non-polar, at codon 160 of the TGFB3 protein (p.Ser160Gly). This variant is not present in population databases (gnomAD no frequency). This variant has not been reported in the literature in individuals affected with TGFB3-related conditions. Invitae Evidence Modeling of protein sequence and biophysical properties (such as structural, functional, and spatial information, amino acid conservation, physicochemical variation, residue mobility, and thermodynamic stability) indicates that this missense variant is not expected to disrupt TGFB3 protein function with a negative predictive value of 80%. In summary, the available evidence is currently insufficient to determine the role of this variant in disease. Therefore, it has been classified as a Variant of Uncertain Significance.

NM_003239.5(TGFB3):c.478A>G (p.Ser160Gly)

Gene: TGFB3 (transforming growth factor beta 3; minus strand). Cytogenetic location: 14q24.3.
Variant type: single nucleotide variant.
Coding change: c.478A>G on transcript NM_003239.5 (MANE Select); coding-DNA position 478, A replaced by G.
Protein change: p.Ser160Gly; replaces serine 160 with glycine.
Molecular consequence: missense variant.
Genome position (GRCh38, 1-based): chr14:75,971,593, T>C on the plus strand (A>G on the coding strand, the complement: TGFB3 is on the minus strand). VCF-style: chr14-75971593-T-C. GRCh37 (hg19) VCF-style: chr14-76437936-T-C.
Other names: c.478A>G, p.Ser160Gly (NM_001329938.2, NM_001329939.2); short protein forms S160G.
Identifiers: ClinVar variation 4773334 (VCV004773334.2).